The following is an entry in ClinVar:

NM_001329943.3(KIAA0586):c.370A>G (p.Met124Val)

Gene: KIAA0586 (KIAA0586; plus strand). Cytogenetic location: 14q23.1.
Variant type: single nucleotide variant.
Coding change: c.370A>G on transcript NM_001329943.3 (MANE Select); coding-DNA position 370, A replaced by G.
Protein change: p.Met124Val; replaces methionine 124 with valine.
Molecular consequence: missense variant.
Genome position (GRCh38, 1-based): chr14:58,432,417, A>G. VCF-style: chr14-58432417-A-G. GRCh37 (hg19) VCF-style: chr14-58899135-A-G.
Other names: c.406A>G, p.Met136Val (NM_001244189.2); c.325A>G, p.Met109Val (NM_001244190.2); c.115A>G, p.Met39Val (NM_001244191.2, NM_001244192.2, NM_001329945.2 and 2 more transcripts); c.370A>G, p.Met124Val (NM_001329944.2, NM_001329946.2, NM_001329947.2 and 1 more transcripts); short protein forms M136V, M39V, M109V, M124V.
Identifiers: ClinVar variation 1486677 (VCV001486677.8), dbSNP rs2037453984, ClinGen allele CA389859938.

ClinVar aggregate classification (germline): Uncertain significance (1 of 4 stars; one submission).

Conditions:
Joubert syndrome 23 (JBTS23). Identifiers: Orphanet 475, MedGen C4084822, MONDO:0014664, OMIM 616490.
Short-rib thoracic dysplasia 14 with polydactyly (SRTD14). Identifiers: Orphanet 397715, MedGen C4225286, MONDO:0014688, OMIM 616546.

Allele frequency attached by ClinVar (database versions not stated): gnomAD exomes below 0.00001; TOPMed 0.00001.

Submission:

Labcorp Genetics (formerly Invitae), Labcorp
Classification: Uncertain significance for Joubert syndrome 23; Short-rib thoracic dysplasia 14 with polydactyly. Last evaluated: 2022-02-16. Review status: criteria provided, single submitter. Criteria: Invitae Variant Classification Sherloc (09022015). Collection method: clinical testing. Allele origin: germline.
Comment: In summary, the available evidence is currently insufficient to determine the role of this variant in disease. Therefore, it has been classified as a Variant of Uncertain Significance. Algorithms developed to predict the effect of missense changes on protein structure and function output the following: SIFT: "Tolerated"; PolyPhen-2: "Benign"; Align-GVGD: "Class C0". The valine amino acid residue is found in multiple mammalian species, which suggests that this missense change does not adversely affect protein function. This variant has not been reported in the literature in individuals affected with KIAA0586-related conditions. This variant is not present in population databases (gnomAD no frequency). This sequence change replaces methionine, which is neutral and non-polar, with valine, which is neutral and non-polar, at codon 136 of the KIAA0586 protein (p.Met136Val).